The following is an entry in ClinVar:

ClinVar aggregate classification (germline): Benign (1 of 4 stars; one submission).

Conditions:
Peroxisome biogenesis disorder 12A (Zellweger). Also called: Peroxisome biogenesis disorder 12A. Identifiers: Orphanet 912, MedGen C3554002, MONDO:0013951, OMIM 614886.

Allele frequency attached by ClinVar (database versions not stated): gnomAD exomes 0.00205 and 0.00334; ExAC 0.00244; gnomAD 0.01567 and 0.01698; 1000 Genomes Project 0.01717; TOPMed 0.01765; 1000 Genomes Project 30x 0.01936.

Submission:

Illumina Laboratory Services, Illumina
Classification: Benign for Peroxisome biogenesis disorder 12A (Zellweger). Last evaluated: 2018-01-12. Review status: criteria provided, single submitter. Criteria: ICSL Variant Classification Criteria 13 December 2019. Collection method: clinical testing. Allele origin: germline.
Comment: This variant was observed in the ICSL laboratory as part of a predisposition screen in an ostensibly healthy population. It had not been previously curated by ICSL or reported in the Human Gene Mutation Database (HGMD: prior to June 1st, 2018), and was therefore a candidate for classification through an automated scoring system. Utilizing variant allele frequency, disease prevalence and penetrance estimates, and inheritance mode, an automated score was calculated to assess if this variant is too frequent to cause the disease. Based on the score and internal cut-off values, a variant classified as benign is not then subjected to further curation. The score for this variant resulted in a classification of benign for this disease.

NM_002857.4(PEX19):c.*328A>G

Gene: PEX19 (peroxisomal biogenesis factor 19; minus strand). Cytogenetic location: 1q23.2.
Variant type: single nucleotide variant.
Coding change: c.*328A>G on transcript NM_002857.4 (MANE Select); 328 bases downstream of the stop codon, A replaced by G.
Molecular consequence: 3 prime UTR variant. On other transcripts: non-coding transcript variant (2).
Genome position (GRCh38, 1-based): chr1:160,279,223, T>C on the plus strand (A>G on the coding strand, the complement: PEX19 is on the minus strand). VCF-style: chr1-160279223-T-C. GRCh37 (hg19) VCF-style: chr1-160249013-T-C.
Other names: c.*336A>G (NM_001193644.1).
Identifiers: ClinVar variation 293222 (VCV000293222.5), dbSNP rs115260345, ClinGen allele CA1197138.